The following is an entry in ClinVar:

NC_000007.13:g.(?_6022435)_(6022642_?)del

Gene: PMS2 (PMS1 homolog 2, mismatch repair system component; minus strand). Cytogenetic location: 7p22.1.
Variant type: Deletion.
Identifiers: ClinVar variation 3245664 (VCV003245664.1).

ClinVar aggregate classification (germline): Pathogenic (1 of 4 stars; one submission).

Conditions:
Hereditary nonpolyposis colorectal neoplasms. Identifiers: MedGen C0009405, MeSH D003123.

Submission:

Labcorp Genetics (formerly Invitae), Labcorp
Classification: Pathogenic for Hereditary nonpolyposis colorectal neoplasms. Last evaluated: 2023-12-13. Review status: criteria provided, single submitter. Criteria: Invitae Variant Classification Sherloc (09022015). Collection method: clinical testing. Allele origin: unknown.
Comment: This variant is a gross deletion of the genomic region encompassing exon 12 of the PMS2 gene. This variant would be expected to be in-frame, preserving the integrity of the reading frame. The frequency data for this variant in the population databases (gnomAD) is considered unreliable due to the presence of homologous sequence, such as pseudogenes or paralogs, in the genome. A similar copy number variant has been observed in individual(s) with clinical features of Lynch syndrome, including individuals with colon polyps, colorectal cancer, ovarian cancer, pancreatic cancer, and prostate cancer (PMID: 30702970; Invitae). This variant disrupts the MLH1 interaction domain of the PMS2 protein, which has been shown to be critical for PMS2-MLH1 dimerization (PMID: 10037723), and therefore mismatch repair activity (PMID: 16338176, 20533529). While functional studies have not been performed to directly test the effect of this variant on PMS2 protein function, this suggests that disruption of this region of the protein is causative of disease. For these reasons, this variant has been classified as Pathogenic.

Literature cited by the submitters: PubMed 30702970; PubMed 10037723; PubMed 16338176; PubMed 20533529.